The following is an entry in ClinVar:

ClinVar aggregate classification (germline): Likely pathogenic (1 of 4 stars; one submission).

Submission:

GeneDx
Classification: Likely pathogenic. Last evaluated: 2018-01-09. Review status: criteria provided, single submitter. Criteria: GeneDx Variant Classification (06012015). Collection method: clinical testing. Allele origin: germline. Affected: yes.
Comment: The W1052X variant has not been published as a pathogenic variant, nor has it been reported as a benign variant to our knowledge. The W1052X variant is not observed in large population cohorts (Lek et al., 2016). This variant is predicted to cause loss of normal protein function either through protein truncation or nonsense-mediated mRNA decay. This variant is likely pathogenic.

NM_005422.4(TECTA):c.3156G>A (p.Trp1052Ter)

Genes: TBCEL-TECTA (TBCEL-TECTA readthrough; plus strand), TECTA (tectorin alpha; plus strand). Cytogenetic location: 11q23.3.
Variant type: single nucleotide variant.
Coding change: c.3156G>A on transcript NM_005422.4 (MANE Select); coding-DNA position 3156, G replaced by A.
Protein change: p.Trp1052Ter; replaces tryptophan 1052 with a stop codon.
Molecular consequence: nonsense.
Genome position (GRCh38, 1-based): chr11:121,137,635, G>A. VCF-style: chr11-121137635-G-A. GRCh37 (hg19) VCF-style: chr11-121008344-G-A.
Other names: c.4113G>A, p.Trp1371Ter (NM_001378761.1); short protein forms W1052*, W1371*.
Identifiers: ClinVar variation 489370 (VCV000489370.2), dbSNP rs1555125138, ClinGen allele CA383019072.